The following is an entry in ClinVar:

ClinVar aggregate classification (germline): Uncertain significance (1 of 4 stars; one submission).

Conditions:
Microcephaly, normal intelligence and immunodeficiency (NBS). Also called: Immunodeficiency, microcephaly with normal intelligence; Ataxia telangiectasia variant V1; IMMUNODEFICIENCY, MICROCEPHALY, AND CHROMOSOMAL INSTABILITY; SEEMANOVA SYNDROME II; Nijmegen breakage syndrome; Microcephaly with normal intelligence immunodeficiency and lymphoreticular malignancies. Identifiers: Orphanet 647, MedGen C0398791, MONDO:0009623, OMIM 251260.

Submission:

Labcorp Genetics (formerly Invitae), Labcorp
Classification: Uncertain significance for Microcephaly, normal intelligence and immunodeficiency. Last evaluated: 2022-05-29. Review status: criteria provided, single submitter. Criteria: Invitae Variant Classification Sherloc (09022015). Collection method: clinical testing. Allele origin: germline.
Comment: This sequence change replaces serine, which is neutral and polar, with arginine, which is basic and polar, at codon 355 of the NBN protein (p.Ser355Arg). This variant is not present in population databases (gnomAD no frequency). This variant has not been reported in the literature in individuals affected with NBN-related conditions. Algorithms developed to predict the effect of missense changes on protein structure and function output the following: SIFT: "Deleterious"; PolyPhen-2: "Benign"; Align-GVGD: "Class C0". The arginine amino acid residue is found in multiple mammalian species, which suggests that this missense change does not adversely affect protein function. In summary, the available evidence is currently insufficient to determine the role of this variant in disease. Therefore, it has been classified as a Variant of Uncertain Significance.

NM_002485.5(NBN):c.1065C>A (p.Ser355Arg)

Gene: NBN (nibrin; minus strand). Cytogenetic location: 8q21.3.
Variant type: single nucleotide variant.
Coding change: c.1065C>A on transcript NM_002485.5 (MANE Select); coding-DNA position 1065, C replaced by A.
Protein change: p.Ser355Arg; replaces serine 355 with arginine.
Molecular consequence: missense variant.
Genome position (GRCh38, 1-based): chr8:89,958,784, G>T on the plus strand (C>A on the coding strand, the complement: NBN is on the minus strand). VCF-style: chr8-89958784-G-T. GRCh37 (hg19) VCF-style: chr8-90971012-G-T.
Other names: c.819C>A, p.Ser273Arg (NM_001024688.3); short protein forms S273R, S355R.
Identifiers: ClinVar variation 1953052 (VCV001953052.5), dbSNP rs876659205, ClinGen allele CA371656682.